The following is an entry in ClinVar:

NM_001042492.3(NF1):c.4070del (p.Phe1357fs)

Gene: NF1 (neurofibromin 1; plus strand). Cytogenetic location: 17q11.2.
Variant type: Deletion.
Coding change: c.4070del on transcript NM_001042492.3 (MANE Select); coding-DNA position 4070, one base deleted (T; older notation c.4070delT).
Protein change: p.Phe1357fs; shifts the reading frame from phenylalanine 1357.
Molecular consequence: frameshift variant.
Genome position (GRCh38, 1-based): chr17:31,249,079, T deleted; the last of 2 consecutive T bases (chr17:31,249,078-31,249,079); deleting either gives the same sequence. VCF-style (leftmost placement, unchanged base first): chr17-31249077-AT-A. GRCh37 (hg19) VCF-style: chr17-29576095-AT-A.
Other names: c.4070delT (NM_000267.3); c.4070delT, p.Phe1357Serfs (NM_000267.4); short protein forms F1357fs.
Identifiers: ClinVar variation 527483 (VCV000527483.6), dbSNP rs1555617354, ClinGen allele CA658798795.
Genomic context (GRCh38, chr17:31,249,077, plus strand): 5'-GCGGAACCTCCTTCAGATGACTGAAAAGTTCTTCCATGCCATCATCAGTTCCTCCTCAGA[AT>A]TCCCCCCTCAACTTCGAAGTGTGTGCCACTGTTTATACCAGGTATGCTTACAGTTAGAGA-3'

ClinVar aggregate classification (germline): Pathogenic/Likely pathogenic. Review status: criteria provided, multiple submitters, no conflicts (2 of 4 stars). 2 submissions from 2 submitters: Pathogenic (1); Likely pathogenic (1). Last evaluated 2022-01-11.

Conditions:
Neurofibromatosis, type 1 (NF1). Also called: VON RECKLINGHAUSEN DISEASE; NEUROFIBROMATOSIS, TYPE I, SOMATIC; Peripheral type neurofibromatosis; Neurofibromatosis, type I. Identifiers: Orphanet 636, MedGen C0027831, MONDO:0018975, OMIM 162200. Disease mechanism: loss of function.
Juvenile myelomonocytic leukemia (JMML). Also called: LEUKEMIA, JUVENILE MYELOMONOCYTIC, SOMATIC. Identifiers: Orphanet 86834, MedGen C0349639, MONDO:0011908, OMIM 607785, HP:0012209.
Café-au-lait macules with pulmonary stenosis (WTSN). Also called: PULMONIC STENOSIS WITH CAFE-AU-LAIT SPOTS. Identifiers: MedGen C0553586, MONDO:0008672, OMIM 193520.
Neurofibromatosis-Noonan syndrome (NFNS). Also called: NEUROFIBROMATOSIS WITH NOONAN PHENOTYPE. Identifiers: Orphanet 638, MedGen C2931482, MONDO:0011035, OMIM 601321. Disease mechanism: loss of function.
Neurofibromatosis, familial spinal (FSNF). Identifiers: Orphanet 636, MedGen C1834235, MONDO:0008078, OMIM 162210. Disease mechanism: loss of function.

Submissions (2):

Fulgent Genetics
Classification: Likely pathogenic for Neurofibromatosis, type 1; Neurofibromatosis, familial spinal; Café-au-lait macules with pulmonary stenosis; Neurofibromatosis-Noonan syndrome; Juvenile myelomonocytic leukemia. Last evaluated: 2022-01-11. Review status: criteria provided, single submitter. Criteria: ACMG Guidelines, 2015. Collection method: clinical testing. Allele origin: unknown.

Labcorp Genetics (formerly Invitae), Labcorp
Classification: Pathogenic for Neurofibromatosis, type 1. Last evaluated: 2017-11-12. Review status: criteria provided, single submitter. Criteria: Invitae Variant Classification Sherloc (09022015). Collection method: clinical testing. Allele origin: germline.
Comment: For these reasons, this variant has been classified as Pathogenic. Loss-of-function variants in NF1 are known to be pathogenic (PMID: 10712197, 23913538). This variant has not been reported in the literature in individuals with NF1-related disease. This variant is not present in population databases (ExAC no frequency). This sequence change creates a premature translational stop signal (p.Phe1357Serfs*28) in the NF1 gene. It is expected to result in an absent or disrupted protein product.

Literature cited by the submitters: PubMed 10712197 (cited by Labcorp Genetics (formerly Invitae), Labcorp); PubMed 23913538 (cited by Labcorp Genetics (formerly Invitae), Labcorp).